The following is an entry in ClinVar:

ClinVar aggregate classification (germline): Uncertain significance (1 of 4 stars; one submission).

Conditions:
Dyskeratosis congenita. Identifiers: Orphanet 1775, MedGen C0265965, MONDO:0015780.

gnomAD v4.1: 1 of 1,211,631 alleles (0.000083%); highest among the groups gnomAD compares: Non-Finnish European, 0.00011%; no homozygotes.

Submission:

Labcorp Genetics (formerly Invitae), Labcorp
Classification: Uncertain significance for Dyskeratosis congenita. Last evaluated: 2024-09-21. Review status: criteria provided, single submitter. Criteria: Invitae Variant Classification Sherloc (09022015). Collection method: clinical testing. Allele origin: germline.
Comment: This sequence change replaces glutamic acid, which is acidic and polar, with glutamine, which is neutral and polar, at codon 201 of the DKC1 protein (p.Glu201Gln). This variant is not present in population databases (gnomAD no frequency). This variant has not been reported in the literature in individuals affected with DKC1-related conditions. Invitae Evidence Modeling of protein sequence and biophysical properties (such as structural, functional, and spatial information, amino acid conservation, physicochemical variation, residue mobility, and thermodynamic stability) indicates that this missense variant is not expected to disrupt DKC1 protein function with a negative predictive value of 80%. In summary, the available evidence is currently insufficient to determine the role of this variant in disease. Therefore, it has been classified as a Variant of Uncertain Significance.

NM_001363.5(DKC1):c.601G>C (p.Glu201Gln)

Gene: DKC1 (dyskerin pseudouridine synthase 1; plus strand). Cytogenetic location: Xq28.
Variant type: single nucleotide variant.
Coding change: c.601G>C on transcript NM_001363.5 (MANE Select); coding-DNA position 601, G replaced by C.
Protein change: p.Glu201Gln; replaces glutamic acid 201 with glutamine.
Molecular consequence: missense variant. On other transcripts: non-coding transcript variant (3).
Genome position (GRCh38, 1-based): chrX:154,767,343, G>C. VCF-style: chrX-154767343-G-C. GRCh37 (hg19) VCF-style: chrX-153995618-G-C.
Other names: c.601G>C, p.Glu201Gln (NM_001142463.3, NM_001288747.2); short protein forms E201Q.
Identifiers: ClinVar variation 3666744 (VCV003666744.2).